The following is an entry in ClinVar:

ClinVar aggregate classification (germline): Conflicting classifications of pathogenicity. Review status: criteria provided, conflicting classifications (1 of 4 stars). 3 submissions from 3 submitters: Uncertain significance (2); Likely benign (1). Last evaluated 2025-06-23.

Conditions:
Familial adenomatous polyposis 2. Also called: MYH-associated polyposis; FAP type 2; MUTYH-associated polyposis; MUTYH-related attenuated familial adenomatous polyposis; Adenomas, multiple colorectal; COLORECTAL ADENOMATOUS POLYPOSIS, AUTOSOMAL RECESSIVE. Identifiers: Orphanet 220460, Orphanet 247798, MedGen C3272841, MONDO:0012041, OMIM 608456.
Hereditary cancer-predisposing syndrome. Also called: Neoplastic Syndromes, Hereditary; Tumor predisposition; Hereditary Cancer Syndrome; Hereditary neoplastic syndrome. Identifiers: Orphanet 140162, MedGen C0027672, MeSH D009386, MONDO:0015356.

gnomAD v4.1: 2 of 1,614,160 alleles (0.00012%); highest among the groups gnomAD compares: African/African-American, 0.0013%; no homozygotes.

Submissions (3):

Ambry Genetics
Classification: Likely benign for Hereditary cancer-predisposing syndrome. Last evaluated: 2025-06-23. Review status: criteria provided, single submitter. Criteria: Ambry Variant Classification Scheme 2023. Collection method: clinical testing. Allele origin: germline.

Molecular Pathology, Peter Maccallum Cancer Centre
Classification: Uncertain significance for Familial adenomatous polyposis 2. Last evaluated: 2024-11-11. Review status: criteria provided, single submitter. Criteria: ACMG Guidelines, 2015. Collection method: clinical testing. Allele origin: germline. Inheritance: Autosomal recessive inheritance.

Labcorp Genetics (formerly Invitae), Labcorp
Classification: Uncertain significance for Familial adenomatous polyposis 2. Last evaluated: 2021-06-22. Review status: criteria provided, single submitter. Criteria: Invitae Variant Classification Sherloc (09022015). Collection method: clinical testing. Allele origin: germline.
Comment: This variant is not present in population databases (ExAC no frequency). This variant has not been reported in the literature in individuals with MUTYH-related conditions. Algorithms developed to predict the effect of missense changes on protein structure and function (SIFT, PolyPhen-2, Align-GVGD) all suggest that this variant is likely to be tolerated, but these predictions have not been confirmed by published functional studies and their clinical significance is uncertain. In summary, the available evidence is currently insufficient to determine the role of this variant in disease. Therefore, it has been classified as a Variant of Uncertain Significance. This sequence change replaces threonine with asparagine at codon 256 of the MUTYH protein (p.Thr256Asn). The threonine residue is moderately conserved and there is a small physicochemical difference between threonine and asparagine.

NM_001048174.2(MUTYH):c.683C>A (p.Thr228Asn)

Gene: MUTYH (mutY DNA glycosylase; minus strand). Cytogenetic location: 1p34.1.
Variant type: single nucleotide variant.
Coding change: c.683C>A on transcript NM_001048174.2 (MANE Select); coding-DNA position 683, C replaced by A.
Protein change: p.Thr228Asn; replaces threonine 228 with asparagine.
Molecular consequence: missense variant. On other transcripts: non-coding transcript variant (2).
Genome position (GRCh38, 1-based): chr1:45,332,412, G>T on the plus strand (C>A on the coding strand, the complement: MUTYH is on the minus strand). VCF-style: chr1-45332412-G-T. GRCh37 (hg19) VCF-style: chr1-45798084-G-T.
Other names: c.683C>A, p.Thr228Asn (NM_001293195.2, NM_001048171.2, NM_001048173.2); c.407C>A, p.Thr136Asn (NM_001293196.2, NM_001293192.2); c.338C>A, p.Thr113Asn (NM_001350650.2, NM_001350651.2); c.758C>A, p.Thr253Asn (NM_012222.3); c.767C>A (NM_001128425.1); c.686C>A, p.Thr229Asn (NM_001048172.2); c.767C>A, p.Thr256Asn (NM_001128425.2); c.728C>A, p.Thr243Asn (NM_001293190.2); and 1 more; short protein forms T253N, T136N, T228N, T256N, T113N, T229N, T239N, T243N.
Identifiers: ClinVar variation 1363173 (VCV001363173.11), dbSNP rs766173546, ClinGen allele CA340134787.
Genomic context (GRCh38, chr1:45,332,412, plus strand): 5'-AGACACCCCTGAAGCACCCTTGTTACCCCAACATCCTACCAGAGCTGCTGGGAAACAAGG[G>T]TGCTGCTGGGATCAGCACCAATGGCTCGGACACGGCACAGCACCCGTGCTACGTTGCCAT-3'
Protein context (NP_001041639.1, residues 218-238): VRAIGADPSS[Thr228Asn]LVSQQLWGLA